The following is an entry in ClinVar:

ClinVar aggregate classification (germline): Pathogenic (1 of 4 stars; one submission).

Submission:

Labcorp Genetics (formerly Invitae), Labcorp
Classification: Pathogenic. Last evaluated: 2025-11-28. Review status: criteria provided, single submitter. Criteria: Invitae Variant Classification Sherloc (09022015). Collection method: clinical testing. Allele origin: germline.
Comment: This sequence change creates a premature translational stop signal (p.Ser11Leufs*11) in the ANO10 gene. It is expected to result in an absent or disrupted protein product. Loss-of-function variants in ANO10 are known to be pathogenic (PMID: 25089919). This variant is not present in population databases (gnomAD no frequency). This variant has not been reported in the literature in individuals affected with ANO10-related conditions. ClinVar contains an entry for this variant (Variation ID: 2838973). For these reasons, this variant has been classified as Pathogenic.

Literature cited by the submitters: PubMed 25089919.

NM_018075.5(ANO10):c.31del (p.Ser11fs)

Gene: ANO10 (anoctamin 10; minus strand). Cytogenetic location: 3p21.33.
Variant type: Deletion.
Coding change: c.31del on transcript NM_018075.5 (MANE Select); coding-DNA position 31, one base deleted (T; older notation c.31delT).
Protein change: p.Ser11fs; shifts the reading frame from serine 11.
Molecular consequence: frameshift variant.
Genome position (GRCh38, 1-based): chr3:43,605,822, A deleted on the plus strand (T on the coding strand, the reverse complement: ANO10 is on the minus strand); the first of 2 consecutive A bases (chr3:43,605,822-43,605,823); deleting either gives the same sequence. VCF-style (leftmost placement, unchanged base first): chr3-43605821-GA-G. GRCh37 (hg19) VCF-style: chr3-43647313-GA-G.
Other names: c.31del, p.Ser11fs (NM_001204831.3, NM_001204832.3, NM_001204833.3 and 8 more transcripts); short protein forms S11fs.
Identifiers: ClinVar variation 2838973 (VCV002838973.3), dbSNP rs2529878581, ClinGen allele CA2665305694.